The following is an entry in ClinVar:

ClinVar aggregate classification (germline): Uncertain significance (1 of 4 stars; one submission).

Conditions:
SEMA3B-related disorder. Also called: SEMA3B-related condition.

Submission:

PreventionGenetics, part of Exact Sciences
Classification: Uncertain significance for SEMA3B-related condition. Last evaluated: 2026-04-09. Review status: criteria provided, single submitter. Criteria: ACMG Guidelines, 2015. Collection method: clinical testing. Allele origin: germline.
Comment: The SEMA3B c.965A>G variant is predicted to result in the amino acid substitution p.Asp322Gly. To our knowledge, this variant has not been reported in the literature or in a large population database (gnomAD), indicating this variant is rare. At this time, the clinical significance of this variant is uncertain due to the absence of conclusive functional and genetic evidence.

NM_001290060.2(SEMA3B):c.950A>G (p.Asp317Gly)

Gene: SEMA3B (semaphorin 3B; plus strand). Cytogenetic location: 3p21.31.
Variant type: single nucleotide variant.
Coding change: c.950A>G on transcript NM_001290060.2 (MANE Select); coding-DNA position 950, A replaced by G.
Protein change: p.Asp317Gly; replaces aspartic acid 317 with glycine.
Molecular consequence: missense variant. On other transcripts: 5 prime UTR variant (2).
Genome position (GRCh38, 1-based): chr3:50,273,786, A>G. VCF-style: chr3-50273786-A-G. GRCh37 (hg19) VCF-style: chr3-50311217-A-G.
Other names: c.950A>G, p.Asp317Gly (NM_001005914.3, NM_001435956.1, NM_001435957.1 and 2 more transcripts); c.965A>G, p.Asp322Gly (NM_001290061.1); c.-77A>G (NM_001290062.2); c.-80A>G (NM_001290063.2); short protein forms D317G, D322G.
Identifiers: ClinVar variation 4996499 (VCV004996499.1).